The following is an entry in ClinVar:

ClinVar aggregate classification (germline): Benign/Likely benign. Review status: criteria provided, multiple submitters, no conflicts (2 of 4 stars). 7 submissions from 7 submitters: Benign (4); Likely benign (1). 2 of the submissions do not count toward it. Last evaluated 2026-02-02.

Conditions:
Usher syndrome type 2C. Also called: Usher syndrome, type 2B; USHER SYNDROME, TYPE IIC. Identifiers: Orphanet 231178, Orphanet 886, MedGen C2931213, MONDO:0011558, OMIM 605472.

Submissions (7):

Labcorp Genetics (formerly Invitae), Labcorp
Classification: Benign. Last evaluated: 2026-02-02. Review status: criteria provided, single submitter. Criteria: Invitae Variant Classification Sherloc (09022015). Collection method: clinical testing. Allele origin: germline.

Mayo Clinic Laboratories, Mayo Clinic
Classification: Benign. Last evaluated: 2022-08-11. Review status: criteria provided, single submitter. Criteria: ACMG Guidelines, 2015. Collection method: clinical testing. Allele origin: germline. Observed: 144 variant alleles.

Molecular Genetics, Royal Melbourne Hospital
Classification: Benign for Usher syndrome type 2C. Last evaluated: 2020-11-20. Review status: criteria provided, single submitter. Criteria: ACMG Guidelines, 2015. Collection method: clinical testing. Allele origin: germline. Affected: no.
Comment: Population allele frequency is 3% (rs60522638, 4,300/138,988 alleles, 1 homozygote in gnomAD v2.1). Based on the classification scheme RMH ACMG Guidelines v1.1.1, this variant is classified as Benign. Following criteria met: BA1

GeneDx
Classification: Benign. Last evaluated: 2019-08-21. Review status: criteria provided, single submitter. Criteria: GeneDx Variant Classification Process June 2021. Collection method: clinical testing. Allele origin: germline. Affected: yes.

Eurofins Ntd Llc (ga)
Classification: Likely benign. Last evaluated: 2014-12-19. Review status: criteria provided, single submitter. Criteria: EGL Classification Definitions 2015. Collection method: clinical testing. Allele origin: germline. Observed: 4 variant alleles, 4 heterozygotes.

Clinical Genetics DNA and cytogenetics Diagnostics Lab, Erasmus MC, Erasmus Medical Center
Classification: Likely benign. Review status: no assertion criteria provided. Collection method: clinical testing. Allele origin: germline. Affected: yes. Study: VKGL Data-share Consensus. Not counted in ClinVar's aggregate classification.

Clinical Genetics, Academic Medical Center
Classification: Benign. Review status: no assertion criteria provided. Collection method: clinical testing. Allele origin: germline. Affected: yes. Study: VKGL Data-share Consensus. Not counted in ClinVar's aggregate classification.

NM_032119.4(ADGRV1):c.8730+21dup

Gene: ADGRV1 (adhesion G protein-coupled receptor V1; plus strand). Cytogenetic location: 5q14.3.
Variant type: Duplication.
Coding change: c.8730+21dup on transcript NM_032119.4 (MANE Select); 21 bases into the intron after coding-DNA position 8730, one base duplicated (T; older notation c.8730+21dupT).
Molecular consequence: intron variant.
Genome position (GRCh38, 1-based): chr5:90,706,415, T duplicated; the last of 12 consecutive T bases (chr5:90,706,404-90,706,415); duplicating any one gives the same sequence. VCF-style (leftmost placement, unchanged base first): chr5-90706403-C-CT. GRCh37 (hg19) VCF-style: chr5-90002220-C-CT.
Other names: p.?; c.8730+21dupT (NM_032119.4).
Identifiers: ClinVar variation 197047 (VCV000197047.19), dbSNP rs60522638, ClinGen allele CA202673.